The following is an entry in ClinVar:

ClinVar aggregate classification (germline): Uncertain significance (1 of 4 stars; one submission).

Submission:

GeneDx
Classification: Uncertain significance. Last evaluated: 2024-01-16. Review status: criteria provided, single submitter. Criteria: GeneDx Variant Classification Process June 2021. Collection method: clinical testing. Allele origin: germline. Affected: yes.
Comment: Not observed at significant frequency in large population cohorts (gnomAD); In-frame deletion of 6 amino acids in a non-repeat region; In silico analysis supports that this variant does not alter protein structure/function; Has not been previously published as pathogenic or benign to our knowledge

NM_005631.5(SMO):c.82_99del (p.Arg28_Ser33del)

Genes: SMO (smoothened, frizzled class receptor; plus strand), LOC129999303 (ATAC-STARR-seq lymphoblastoid silent region 18626; plus strand). Cytogenetic location: 7q32.1.
Variant type: Deletion.
Coding change: c.82_99del on transcript NM_005631.5 (MANE Select); coding-DNA positions 82 to 99, 18 bases deleted (CGGGGGGCGGCCTCGAGC).
Protein change: p.Arg28_Ser33del.
Molecular consequence: inframe deletion.
Genome position (GRCh38, 1-based): chr7:129,189,233-129,189,250, CGGGGGGCGGCCTCGAGC deleted; deleting any 18 consecutive bases within chr7:129,189,231-129,189,250 gives the same sequence; the c. name uses the placement nearest the transcript's 3' end. VCF-style (leftmost placement, unchanged base first): chr7-129189230-GGCCGGGGGGCGGCCTCGA-G. GRCh37 (hg19) VCF-style: chr7-128829071-GGCCGGGGGGCGGCCTCGA-G.
Identifiers: ClinVar variation 3367779 (VCV003367779.1).